The following is an entry in ClinVar:

NM_007074.4(CORO1A):c.272C>T (p.Pro91Leu)

Gene: CORO1A (coronin 1A; plus strand). Cytogenetic location: 16p11.2.
Variant type: single nucleotide variant.
Coding change: c.272C>T on transcript NM_007074.4 (MANE Select); coding-DNA position 272, C replaced by T.
Protein change: p.Pro91Leu; replaces proline 91 with leucine.
Molecular consequence: missense variant.
Genome position (GRCh38, 1-based): chr16:30,186,671, C>T. VCF-style: chr16-30186671-C-T. GRCh37 (hg19) VCF-style: chr16-30197992-C-T.
Other names: c.272C>T, p.Pro91Leu (NM_001193333.3); short protein forms P91L.
Identifiers: ClinVar variation 1053147 (VCV001053147.10), dbSNP rs773962517, ClinGen allele CA8003069.

ClinVar aggregate classification (germline): Uncertain significance (1 of 4 stars; one submission).

Conditions:
Severe combined immunodeficiency due to CORO1A deficiency. Also called: IMMUNODEFICIENCY 8 WITH LYMPHOPROLIFERATION; Immunodeficiency 8. Identifiers: Orphanet 228003, MedGen C3809383, MONDO:0014168, OMIM 615401.

Allele frequency attached by ClinVar (database versions not stated): TOPMed below 0.00001; ExAC 0.00002; gnomAD 0.00001; gnomAD exomes below 0.00001.

Submission:

Labcorp Genetics (formerly Invitae), Labcorp
Classification: Uncertain significance for Severe combined immunodeficiency due to CORO1A deficiency. Last evaluated: 2022-08-19. Review status: criteria provided, single submitter. Criteria: Invitae Variant Classification Sherloc (09022015). Collection method: clinical testing. Allele origin: germline.
Comment: This sequence change replaces proline, which is neutral and non-polar, with leucine, which is neutral and non-polar, at codon 91 of the CORO1A protein (p.Pro91Leu). This variant is present in population databases (rs773962517, gnomAD 0.003%). This variant has not been reported in the literature in individuals affected with CORO1A-related conditions. ClinVar contains an entry for this variant (Variation ID: 1053147). Algorithms developed to predict the effect of missense changes on protein structure and function are either unavailable or do not agree on the potential impact of this missense change (SIFT: "Deleterious"; PolyPhen-2: "Probably Damaging"; Align-GVGD: "Class C0"). In summary, the available evidence is currently insufficient to determine the role of this variant in disease. Therefore, it has been classified as a Variant of Uncertain Significance.